The following is an entry in ClinVar:

ClinVar aggregate classification (germline): Likely benign (1 of 4 stars; one submission).

Allele frequency attached by ClinVar (database versions not stated): gnomAD exomes 0.00008; ExAC 0.00021; gnomAD 0.00057; TOPMed 0.00066; ESP Exome Variant Server 0.00085; 1000 Genomes Project 30x 0.00125; 1000 Genomes Project 0.00140.
gnomAD v4.1: 208 of 1,614,034 alleles (0.013%); highest among the groups gnomAD compares: African/African-American, 0.21%; 2 homozygotes.

Submission:

CeGaT Center for Human Genetics Tuebingen
Classification: Likely benign. Last evaluated: 2023-11-01. Review status: criteria provided, single submitter. Criteria: CeGaT Center For Human Genetics Tuebingen Variant Classification Criteria Version 2. Collection method: clinical testing. Allele origin: germline. Affected: yes. Observed: 1 variant allele.
Comment: TGFBR3: BP4, BP7

NM_003243.5(TGFBR3):c.2202C>T (p.Asp734=)

Gene: TGFBR3 (transforming growth factor beta receptor 3; minus strand). Cytogenetic location: 1p22.1.
Variant type: single nucleotide variant.
Coding change: c.2202C>T on transcript NM_003243.5 (MANE Select); coding-DNA position 2202, C replaced by T.
Protein change: p.Asp734=; no amino-acid change (aspartic acid 734 retained).
Molecular consequence: synonymous variant. On other transcripts: non-coding transcript variant (1).
Genome position (GRCh38, 1-based): chr1:91,708,748, G>A on the plus strand (C>T on the coding strand, the complement: TGFBR3 is on the minus strand). VCF-style: chr1-91708748-G-A. GRCh37 (hg19) VCF-style: chr1-92174305-G-A.
Other names: c.2199C>T, p.Asp733= (NM_001195683.2, NM_001195684.1).
Identifiers: ClinVar variation 2672340 (VCV002672340.23), dbSNP rs143550507, ClinGen allele CA947602.